The following is an entry in ClinVar:

NM_172351.3(CD46):c.49C>T (p.Pro17Ser)

Genes: CD46 (CD46 molecule; plus strand), LOC129932405 (ATAC-STARR-seq lymphoblastoid active region 2449; plus strand). Cytogenetic location: 1q32.2.
Variant type: single nucleotide variant.
Coding change: c.49C>T on transcript NM_172351.3 (MANE Select); coding-DNA position 49, C replaced by T.
Protein change: p.Pro17Ser; replaces proline 17 with serine.
Molecular consequence: missense variant.
Genome position (GRCh38, 1-based): chr1:207,752,261, C>T. VCF-style: chr1-207752261-C-T. GRCh37 (hg19) VCF-style: chr1-207925606-C-T.
Other names: c.49C>T, p.Pro17Ser (NM_002389.4, NM_153826.4, NM_172350.3 and 8 more transcripts); short protein forms P17S.
Identifiers: ClinVar variation 4976859 (VCV004976859.1).

ClinVar aggregate classification (germline): Uncertain significance (1 of 4 stars; one submission).

Conditions:
Atypical hemolytic-uremic syndrome. Identifiers: Orphanet 2134, MedGen C2931788, MONDO:0016244.

gnomAD v4.1: 1 of 1,614,070 alleles (0.000062%); highest among the groups gnomAD compares: African/African-American, 0.0013%; no homozygotes.

Submission:

Genomenon, Inc
Classification: Uncertain significance for Atypical hemolytic-uremic syndrome. Last evaluated: 2026-09-17. Review status: criteria provided, single submitter. Criteria: Genomenon Sequence Variant Interpretation Standards - Updated. Collection method: curation. Allele origin: germline. Affected: no.
Comment: CD46 p.Pro17Ser (c.49C>T) is a missense variant that changes the amino acid at codon 17 from proline to serine. This variant has been reported in the published literature (PMID:37103770). It is absent or not present at a significant frequency in gnomAD. In silico models predict that this variant is not damaging. In conclusion, we classify CD46 p.Pro17Ser (c.49C>T) as a variant of uncertain significance.

Literature cited by the submitters: PubMed 37103770.